The following is an entry in ClinVar:

NM_001077365.2(POMT1):c.699+64G>C

Gene: POMT1 (protein O-mannosyltransferase 1; plus strand). Cytogenetic location: 9q34.13.
Variant type: single nucleotide variant.
Coding change: c.699+64G>C on transcript NM_001077365.2 (MANE Select); 64 bases into the intron after coding-DNA position 699, G replaced by C.
Molecular consequence: intron variant. On other transcripts: missense variant (7), non-coding transcript variant (1).
Genome position (GRCh38, 1-based): chr9:131,510,060, G>C. VCF-style: chr9-131510060-G-C. GRCh37 (hg19) VCF-style: chr9-134385447-G-C.
Other names: c.763G>C, p.Gly255Arg (NM_001353193.2, NM_007171.4); c.601G>C, p.Gly201Arg (NM_001353197.2, NM_001353198.2, NM_001374689.1); c.412G>C, p.Gly138Arg (NM_001353199.2); c.307G>C, p.Gly103Arg (NM_001374695.1); c.699+64G>C (NM_001136113.2, NM_001374690.1); c.537+64G>C (NM_001353194.2, NM_001077366.2, NM_001374693.1); c.348+64G>C (NM_001374691.1, NM_001353195.2, NM_001374692.1 and 1 more transcripts); c.609+64G>C (NM_001353196.2); and 2 more; short protein forms G103R, G138R, G255R, G201R.
Identifiers: ClinVar variation 1040933 (VCV001040933.13), dbSNP rs746958804, ClinGen allele CA5293385.

ClinVar aggregate classification (germline): Uncertain significance. Review status: criteria provided, multiple submitters, no conflicts (2 of 4 stars). 2 submissions from 2 submitters: Uncertain significance (2). Last evaluated 2022-08-23.

Conditions:
Muscular dystrophy-dystroglycanopathy (congenital with impaired intellectual development), type B, 1. Also called: MUSCULAR DYSTROPHY, CONGENITAL, POMT1-RELATED; Muscular dystrophy-dystroglycanopathy (congenital with intellectual disability), type B1. Identifiers: MedGen C5436962, MONDO:0013159, OMIM 613155.
Autosomal recessive limb-girdle muscular dystrophy type 2K. Also called: MUSCULAR DYSTROPHY-DYSTROGLYCANOPATHY (LIMB-GIRDLE), TYPE C, 1; MUSCULAR DYSTROPHY, LIMB-GIRDLE, TYPE 2K. Identifiers: Orphanet 86812, MedGen C1836373, MONDO:0012248, OMIM 609308.
Walker-Warburg congenital muscular dystrophy. Also called: Muscular dystrophy-dystroglycanopathy, type A; Walker-Warburg syndrome. Identifiers: Orphanet 899, MedGen C0265221, MONDO:0000171.

Allele frequency attached by ClinVar (database versions not stated): TOPMed 0.00001; gnomAD exomes below 0.00001; ExAC 0.00001.
gnomAD v4.1: 3 of 1,614,088 alleles (0.00019%); highest among the groups gnomAD compares: Admixed American, 0.0017%; no homozygotes.

Submissions (2):

Labcorp Genetics (formerly Invitae), Labcorp
Classification: Uncertain significance for Muscular dystrophy-dystroglycanopathy (congenital with impaired intellectual development), type B, 1; Walker-Warburg congenital muscular dystrophy; Autosomal recessive limb-girdle muscular dystrophy type 2K. Last evaluated: 2022-08-23. Review status: criteria provided, single submitter. Criteria: Invitae Variant Classification Sherloc (09022015). Collection method: clinical testing. Allele origin: germline.
Comment: This sequence change replaces glycine, which is neutral and non-polar, with arginine, which is basic and polar, at codon 255 of the POMT1 protein (p.Gly255Arg). This variant is present in population databases (rs746958804, gnomAD 0.003%). This variant has not been reported in the literature in individuals affected with POMT1-related conditions. ClinVar contains an entry for this variant (Variation ID: 1040933). Algorithms developed to predict the effect of missense changes on protein structure and function output the following: SIFT: "Deleterious"; PolyPhen-2: "Benign"; Align-GVGD: "Class C15". The arginine amino acid residue is found in multiple mammalian species, which suggests that this missense change does not adversely affect protein function. Algorithms developed to predict the effect of sequence changes on RNA splicing suggest that this variant may create or strengthen a splice site. In summary, the available evidence is currently insufficient to determine the role of this variant in disease. Therefore, it has been classified as a Variant of Uncertain Significance.

Revvity Omics, Revvity
Classification: Uncertain significance. Last evaluated: 2021-03-31. Review status: criteria provided, single submitter. Criteria: ACMG Guidelines, 2015. Collection method: clinical testing. Allele origin: germline.